The following continues an entry in ClinVar:

NM_000137.4(FAH):c.192G>T (p.Gln64His)

Gene: FAH. ClinVar aggregate classification (germline): Pathogenic. Pathogenic (13).

Submissions 13 to 16 of 16:

Neuberg Centre For Genomic Medicine, NCGM
Classification: Pathogenic for Tyrosinemia type II. Review status: criteria provided, single submitter. Criteria: ACMG Guidelines, 2015. Collection method: clinical testing. Allele origin: germline. Inheritance: Autosomal recessive inheritance. Affected: yes.
Comment: The observed missense c.192G>T (p.Gln64His) variant in FAH gene has been reported in homozygous state in individuals affected with Tyrosinemia (Ijaz S et al. 2016). Functional studies provide supporting evidence of the variant having a damaging effect on the gene or gene product (Rootwelt H et al. 1996). The p.Gln64His variant is present with an allele frequency of 0.006% in gnomAD Exomes. This variant has been reported to the ClinVar database as Pathogenic (multiple submitters). The amino acid change p.Gln64His in FAH is predicted as conserved by GERP++ and PhyloP across 100 vertebrates. The amino acid Gln at position 64 is changed to a His changing protein sequence and it might alter its composition and physicochemical properties. Computational evidence (Polyphen - Benign, SIFT - Damaging and MutationTaster - Disease causing) predicts conflicting evidence on protein structure and function for this variant. For these reasons, this variant has been classified as Pathogenic.

Exeter Genomics Laboratory, Royal Devon University Healthcare NHS Foundation Trust
Classification: Pathogenic for Hypophosphataemia or rickets. Last evaluated: 2025-06-23. Review status: no assertion criteria provided. Collection method: clinical testing. Allele origin: germline. Affected: yes. Not counted in ClinVar's aggregate classification.

Genetics laboratory, Institute of Kidney Diseases & Research Centre Dr. H.L. Trivedi Institute Of Transplantation Sciences
Classification: Pathogenic for Tyrosinemia type I. Last evaluated: 2024-05-07. Review status: no assertion criteria provided. Collection method: clinical testing. Allele origin: germline. Inheritance: Autosomal recessive inheritance. Affected: yes. Observed: 1 variant allele, 1 homozygote. Not counted in ClinVar's aggregate classification.
Comment: A heterozygous frameshift insertion variant c.1079_1080insA in REN gene (chr1:204124285; Depth:139x) was detected. The variant results from insertion of one nucleotide at nucleotide position 1079th, causing a translational frameshift with a predicted alternate stop codon (p.Leu361AlafsTer34). This variant is not observed in Clinvar, 1000 genomes, topmed and gnomAD database. Based on the aforementioned evidence, the variant is classified as a likely pathogenic based on the ACMG-AMP classification system.

GeneReviews
No classification provided. Condition: Tyrosinemia type I. Review status: no classification provided. Collection method: literature only. Allele origin: germline. Not counted in ClinVar's aggregate classification.
Comment: Pakistani-specific pathogenic variant resulting from founder effect or genetic drift [Angileri et al 2015].

Literature cited by the submitters: PubMed 40232499 (cited by Natera, Inc.); PubMed 7942842 (cited by 5 submitters); PubMed 25564536 (cited by Natera, Inc.); PubMed 17576681 (cited by Labcorp Genetics (formerly Invitae), Labcorp); PubMed 9536098 (cited by Labcorp Genetics (formerly Invitae), Labcorp); PubMed 26565546 (cited by 3billion and Women's Health and Genetics/Laboratory Corporation of America, LabCorp); PubMed 25681080 (cited by 3billion and GeneReviews); PubMed 8829657 (cited by 3billion and Women's Health and Genetics/Laboratory Corporation of America, LabCorp); PubMed 22975760 (cited by Myriad Genetics, Inc.); PubMed 23430822 (cited by Myriad Genetics, Inc.); PubMed 23193487 (cited by Myriad Genetics, Inc.); PubMed 14691918 (cited by Myriad Genetics, Inc.); PubMed 9101289 (cited by Myriad Genetics, Inc.); NCBI Bookshelf NBK1515 (cited by GeneReviews); PubMed 20301688 (cited by GeneReviews).